The following is an entry in ClinVar:

ClinVar aggregate classification (germline): Conflicting classifications of pathogenicity. Review status: criteria provided, conflicting classifications (1 of 4 stars). 4 submissions from 4 submitters: Uncertain significance (1); Likely benign (3). Last evaluated 2025-10-13.

Conditions:
Hereditary cancer-predisposing syndrome. Also called: Hereditary neoplastic syndrome; Tumor predisposition; Neoplastic Syndromes, Hereditary; Hereditary Cancer Syndrome. Identifiers: Orphanet 140162, MedGen C0027672, MeSH D009386, MONDO:0015356.
Neuroblastoma, susceptibility to, 3. Also called: ALK-Related Neuroblastic Tumor Susceptibility. Identifiers: Orphanet 635, MedGen C2751681, MONDO:0013083, OMIM 613014.

Allele frequency attached by ClinVar (database versions not stated): ExAC 0.00001; gnomAD 0.00002 and 0.00003; gnomAD exomes 0.00002; TOPMed 0.00003.
gnomAD v4.1: 17 of 1,613,990 alleles (0.0011%); highest among the groups gnomAD compares: Middle Eastern, 0.016%; no homozygotes.

Submissions (4):

Labcorp Genetics (formerly Invitae), Labcorp
Classification: Likely benign for Neuroblastoma, susceptibility to, 3. Last evaluated: 2025-10-13. Review status: criteria provided, single submitter. Criteria: Invitae Variant Classification Sherloc (09022015). Collection method: clinical testing. Allele origin: germline.

CeGaT Center for Human Genetics Tuebingen
Classification: Likely benign. Last evaluated: 2025-03-01. Review status: criteria provided, single submitter. Criteria: CeGaT Center For Human Genetics Tuebingen Variant Classification Criteria Version 2. Collection method: clinical testing. Allele origin: germline. Affected: yes. Observed: 1 variant allele.
Comment: ALK: BP4, BP7

Ambry Genetics
Classification: Likely benign for Hereditary cancer-predisposing syndrome. Last evaluated: 2022-04-04. Review status: criteria provided, single submitter. Criteria: Ambry Variant Classification Scheme 2023. Collection method: clinical testing. Allele origin: germline.

Sema4
Classification: Uncertain significance for Hereditary cancer-predisposing syndrome. Last evaluated: 2021-10-18. Review status: criteria provided, single submitter. Criteria: Sema4 Curation Guidelines. Collection method: curation. Allele origin: germline.
Comment: The ALK c.2979C>T (p.D993=) variant has not been reported in the literature to our knowledge. It was observed in 2/34592 chromosomes of the Latino subpopulation in the large and broad cohorts of the Genome Aggregation Database (PMID: 32461654). The variant involves a non-conserved nucleotide and does not result in an amino acid change. Splice site prediction tools suggest the variant may strengthen a cryptic splice site, however these predictions have not been confirmed by published transcriptional studies. This variant has been reported in ClinVar (Variation ID 470812). The evidence is insufficient to meet ACMG/AMP criteria for classifying the variant as benign or pathogenic. Thus, the clinical significance of this variant is currently uncertain.

NM_004304.5(ALK):c.2979C>T (p.Asp993=)

Gene: ALK (ALK receptor tyrosine kinase; minus strand). Cytogenetic location: 2p23.2.
Variant type: single nucleotide variant.
Coding change: c.2979C>T on transcript NM_004304.5 (MANE Select); coding-DNA position 2979, C replaced by T.
Protein change: p.Asp993=; no amino-acid change (aspartic acid 993 retained).
Molecular consequence: synonymous variant.
Genome position (GRCh38, 1-based): chr2:29,227,010, G>A on the plus strand (C>T on the coding strand, the complement: ALK is on the minus strand). VCF-style: chr2-29227010-G-A. GRCh37 (hg19) VCF-style: chr2-29449876-G-A.
Identifiers: ClinVar variation 470812 (VCV000470812.21), dbSNP rs761999849, ClinGen allele CA1594119.